The following is an entry in ClinVar:

ClinVar aggregate classification (germline): Uncertain significance (1 of 4 stars; one submission).

Conditions:
Familial thoracic aortic aneurysm and aortic dissection (TAAD). Also called: Thoracic aortic aneurysms and dissections. Identifiers: Orphanet 91387, MedGen C4707243, MONDO:0019625.

Allele frequency attached by ClinVar (database versions not stated): gnomAD 0.00001; gnomAD exomes 0.00001 and 0.00004; TOPMed 0.00001; ExAC 0.00005.
gnomAD v4.1: 8 of 1,613,712 alleles (0.0005%); highest among the groups gnomAD compares: East Asian, 0.018%; no homozygotes.

Submission:

Ambry Genetics
Classification: Uncertain significance for Familial thoracic aortic aneurysm and aortic dissection. Last evaluated: 2015-09-15. Review status: criteria provided, single submitter. Criteria: Ambry Variant Classification Scheme 2023. Collection method: clinical testing. Allele origin: germline.
Comment: The p.A196D variant (also known as c.587C>A), located in coding exon 8 of the COL5A2 gene, results from a C to A substitution at nucleotide position 587. The alanine at codon 196 is replaced by aspartic acid, an amino acid with dissimilar properties. Based on data from ExAC, the A allele has an overall frequency of approximately 0.005% (6/121362). The highest observed frequency was 0.069% (6/8652) of East Asian alleles (Exome Aggregation Consortium (ExAC), Cambridge, MA (URL) [Accessed September 14, 2015]). This variant was not reported in population based cohorts in the following databases: Database of Single Nucleotide Polymorphisms (dbSNP), NHLBI Exome Sequencing Project (ESP), and 1000 Genomes Project. In the ESP, this variant was not observed in 6503 samples (13006 alleles) with coverage at this position. This amino acid position is highly conserved in available vertebrate species. In addition, this alteration is predicted to be deleterious by in silico analysis. Since supporting evidence is limited at this time, the clinical significance of this variant remains unclear.

NM_000393.5(COL5A2):c.587C>A (p.Ala196Asp)

Gene: COL5A2 (collagen type V alpha 2 chain; minus strand). Cytogenetic location: 2q32.2.
Variant type: single nucleotide variant.
Coding change: c.587C>A on transcript NM_000393.5 (MANE Select); coding-DNA position 587, C replaced by A.
Protein change: p.Ala196Asp; replaces alanine 196 with aspartic acid.
Molecular consequence: missense variant.
Genome position (GRCh38, 1-based): chr2:189,088,753, G>T on the plus strand (C>A on the coding strand, the complement: COL5A2 is on the minus strand). VCF-style: chr2-189088753-G-T. GRCh37 (hg19) VCF-style: chr2-189953479-G-T.
Other names: short protein forms A196D.
Identifiers: ClinVar variation 264413 (VCV000264413.5), dbSNP rs746671710, ClinGen allele CA2023011.